The following is an entry in ClinVar:

NM_002240.5(KCNJ6):c.1189A>C (p.Thr397Pro)

Genes: KCNJ6 (potassium inwardly rectifying channel subfamily J member 6; minus strand), KCNJ6-AS1 (KCNJ6 antisense RNA 1; plus strand). Cytogenetic location: 21q22.13.
Variant type: single nucleotide variant.
Coding change: c.1189A>C on transcript NM_002240.5 (MANE Select); coding-DNA position 1189, A replaced by C.
Protein change: p.Thr397Pro; replaces threonine 397 with proline.
Molecular consequence: missense variant.
Genome position (GRCh38, 1-based): chr21:37,625,242, T>G on the plus strand (A>C on the coding strand, the complement: KCNJ6 is on the minus strand). VCF-style: chr21-37625242-T-G. GRCh37 (hg19) VCF-style: chr21-38997544-T-G.
Other names: short protein forms T397P.
Identifiers: ClinVar variation 3361670 (VCV003361670.1).
Genomic context (GRCh38, chr21:37,625,242, plus strand): 5'-GGTTTGCCACATCACCATTTCTTTCTGTTTGCTCTTCGAGGTTCTTTTCTTCCTCTTCAG[T>G]CTCCAGTTCTGCATGTTGGTTGAGTTTGCTGGATACAGACCAACTCAGGGGCAGCTCTGC-3'
Protein context (NP_002231.1, residues 387-407): SKLNQHAELE[Thr397Pro]EEEEKNLEEQ

ClinVar aggregate classification (germline): Uncertain significance (1 of 4 stars; one submission).

Submission:

GeneDx
Classification: Uncertain significance. Last evaluated: 2023-07-27. Review status: criteria provided, single submitter. Criteria: GeneDx Variant Classification Process June 2021. Collection method: clinical testing. Allele origin: germline. Affected: yes.
Comment: Not observed at significant frequency in large population cohorts (gnomAD); In silico analysis supports that this missense variant has a deleterious effect on protein structure/function; Has not been previously published as pathogenic or benign to our knowledge